The following is an entry in ClinVar:

NM_015450.3(POT1):c.1411A>G (p.Asn471Asp)

Gene: POT1 (protection of telomeres 1; minus strand). Cytogenetic location: 7q31.33.
Variant type: single nucleotide variant.
Coding change: c.1411A>G on transcript NM_015450.3 (MANE Select); coding-DNA position 1411, A replaced by G.
Protein change: p.Asn471Asp; replaces asparagine 471 with aspartic acid.
Molecular consequence: missense variant. On other transcripts: non-coding transcript variant (3).
Genome position (GRCh38, 1-based): chr7:124,835,373, T>C on the plus strand (A>G on the coding strand, the complement: POT1 is on the minus strand). VCF-style: chr7-124835373-T-C. GRCh37 (hg19) VCF-style: chr7-124475427-T-C.
Other names: c.1018A>G, p.Asn340Asp (NM_001042594.2); short protein forms N340D, N471D.
Identifiers: ClinVar variation 3423111 (VCV003423111.1).
Genomic context (GRCh38, chr7:124,835,373, plus strand): 5'-GTGCTGAAAGGTCCAAAAGTTCCAGGTCTTCGTGGCCAGATCTCACAGGAATTACACTAT[T>C]AAACTTGTTCGAGAGTTTGCAAATTTCACTGAGTGTACCTCCTGTTAAGAGAATAAATAA-3'
Protein context (NP_056265.2, residues 461-481): SEICKLSNKF[Asn471Asp]SVIPVRSGHE

ClinVar aggregate classification (germline): Uncertain significance (1 of 4 stars; one submission).

Conditions:
Hereditary cancer-predisposing syndrome. Also called: Neoplastic Syndromes, Hereditary; Tumor predisposition; Hereditary Cancer Syndrome; Hereditary neoplastic syndrome. Identifiers: Orphanet 140162, MedGen C0027672, MeSH D009386, MONDO:0015356.

Submission:

Ambry Genetics
Classification: Uncertain significance for Hereditary cancer-predisposing syndrome. Last evaluated: 2024-07-31. Review status: criteria provided, single submitter. Criteria: Ambry Variant Classification Scheme 2023. Collection method: clinical testing. Allele origin: germline.
Comment: The p.N471D variant (also known as c.1411A>G), located in coding exon 11 of the POT1 gene, results from an A to G substitution at nucleotide position 1411. The asparagine at codon 471 is replaced by aspartic acid, an amino acid with highly similar properties. This amino acid position is conserved. In addition, this alteration is predicted to be tolerated by in silico analysis. Based on the available evidence, the clinical significance of this variant remains unclear.